The following is an entry in ClinVar:

ClinVar aggregate classification (germline): Likely benign (1 of 4 stars; one submission).

Conditions:
Leigh syndrome (NULS). Also called: Leigh's necrotizing encephalopathy; Leigh's disease; Leigh's syndrome; Leigh Syndrome (mtDNA deletion); Leigh Disease; LEIGH SYNDROME, NUCLEAR. Identifiers: Orphanet 506, MedGen C2931891, MONDO:0009723, OMIM 256000.

Allele frequency attached by ClinVar (database versions not stated): 1000 Genomes Project 30x 0.01999; gnomAD 0.02022 and 0.01875; TOPMed 0.02101; gnomAD exomes 0.00158; 1000 Genomes Project 0.01897.
gnomAD v4.1: 4,189 of 985,400 alleles (0.43%); highest among the groups gnomAD compares: African/African-American, 6.7%; 125 homozygotes.

Submission:

Illumina Laboratory Services, Illumina
Classification: Likely benign for Leigh syndrome. Last evaluated: 2018-01-12. Review status: criteria provided, single submitter. Criteria: ICSL Variant Classification Criteria 13 December 2019. Collection method: clinical testing. Allele origin: germline.
Comment: This variant was observed in the ICSL laboratory as part of a predisposition screen in an ostensibly healthy population. It had not been previously curated by ICSL or reported in the Human Gene Mutation Database (HGMD: prior to June 1st, 2018), and was therefore a candidate for classification through an automated scoring system. Utilizing variant allele frequency, disease prevalence and penetrance estimates, and inheritance mode, an automated score was calculated to assess if this variant is too frequent to cause the disease. Based on the score and internal cut-off values, a variant classified as likely benign is not then subjected to further curation. The score for this variant resulted in a classification of likely benign for this disease.

NM_004376.5(COX15):c.*4473T>C

Genes: COX15 (cytochrome c oxidase assembly factor COX15; minus strand), ENTPD7 (ectonucleoside triphosphate diphosphohydrolase 7; plus strand). Cytogenetic location: 10q24.2.
Variant type: single nucleotide variant.
Coding change: c.*4473T>C on transcript NM_004376.5; 4473 bases downstream of the stop codon, T replaced by C.
Molecular consequence: 3 prime UTR variant (on NM_020354.5). On other transcripts: intron variant (1).
Genome position (GRCh38, 1-based): chr10:99,708,941, A>G on the plus strand (T>C on the coding strand, the complement: COX15 is on the minus strand). VCF-style: chr10-99708941-A-G. GRCh37 (hg19) VCF-style: chr10-101468698-A-G.
Other names: c.*5646T>C (NM_078470.4); c.*4258A>G (NM_001349962.2, NM_001349963.2, NM_020354.5); c.1101+7407T>C (NM_001320974.2).
Identifiers: ClinVar variation 298362 (VCV000298362.7), dbSNP rs10490941, ClinGen allele CA10637132.